The following is an entry in ClinVar:

NM_004746.4(DLGAP1):c.860G>A (p.Arg287Gln)

Genes: DLGAP1 (DLG associated protein 1; minus strand), DLGAP1-AS3 (DLGAP1 antisense RNA 3; plus strand). Cytogenetic location: 18p11.31.
Variant type: single nucleotide variant.
Coding change: c.860G>A on transcript NM_004746.4 (MANE Select); coding-DNA position 860, G replaced by A.
Protein change: p.Arg287Gln; replaces arginine 287 with glutamine.
Molecular consequence: missense variant.
Genome position (GRCh38, 1-based): chr18:3,879,209, C>T on the plus strand (G>A on the coding strand, the complement: DLGAP1 is on the minus strand). VCF-style: chr18-3879209-C-T. GRCh37 (hg19) VCF-style: chr18-3879209-C-T.
Other names: c.860G>A, p.Arg287Gln (NM_001242761.2, NM_001398525.1, NM_001398526.1 and 2 more transcripts); short protein forms R287Q.
Identifiers: ClinVar variation 3033733 (VCV003033733.2), dbSNP rs572366902, ClinGen allele CA8876628.

ClinVar aggregate classification (germline): Likely benign (0 of 4 stars; one submission).

Conditions:
DLGAP1-related disorder. Also called: DLGAP1-related condition.

Allele frequency attached by ClinVar (database versions not stated): gnomAD 0.00025; ExAC 0.00063; 1000 Genomes Project 30x 0.00125; 1000 Genomes Project 0.00160.

Submission:

PreventionGenetics, part of Exact Sciences
Classification: Likely benign for DLGAP1-related condition. Last evaluated: 2019-02-20. Review status: no assertion criteria provided. Collection method: clinical testing. Allele origin: germline.
Comment: This variant is classified as likely benign based on ACMG/AMP sequence variant interpretation guidelines (Richards et al. 2015 PMID: 25741868, with internal and published modifications).